The following is an entry in ClinVar:

NM_005413.4(SIX3):c.228G>C (p.Glu76Asp)

Gene: SIX3 (SIX homeobox 3; plus strand). Cytogenetic location: 2p21.
Variant type: single nucleotide variant.
Coding change: c.228G>C on transcript NM_005413.4 (MANE Select); coding-DNA position 228, G replaced by C.
Protein change: p.Glu76Asp; replaces glutamic acid 76 with aspartic acid.
Molecular consequence: missense variant.
Genome position (GRCh38, 1-based): chr2:44,942,332, G>C. VCF-style: chr2-44942332-G-C. GRCh37 (hg19) VCF-style: chr2-45169471-G-C.
Other names: short protein forms E76D.
Identifiers: ClinVar variation 4987001 (VCV004987001.1).

ClinVar aggregate classification (germline): Uncertain significance (1 of 4 stars; one submission).

Conditions:
SIX3-related disorder. Also called: SIX3-related condition; SIX3-Related Disorders.

Submission:

PreventionGenetics, part of Exact Sciences
Classification: Uncertain significance for SIX3-related condition. Last evaluated: 2025-04-09. Review status: criteria provided, single submitter. Criteria: ACMG Guidelines, 2015. Collection method: clinical testing. Allele origin: germline.
Comment: The SIX3 c.228G>C variant is predicted to result in the amino acid substitution p.Glu76Asp. To our knowledge, this variant has not been reported in the literature. This variant is reported in 0.0033% of alleles in individuals of South Asian descent in gnomAD. At this time, the clinical significance of this variant is uncertain due to the absence of conclusive functional and genetic evidence.